The following continues an entry in ClinVar:

NM_000108.5(DLD):c.685G>T (p.Gly229Cys)

Gene: DLD. ClinVar aggregate classification (germline): Pathogenic/Likely pathogenic. Pathogenic (26); Likely pathogenic (1).

Submissions 28 to 33 of 33:

PreventionGenetics, part of Exact Sciences
Classification: Pathogenic for DLD-related condition. Last evaluated: 2024-04-21. Review status: no assertion criteria provided. Collection method: clinical testing. Allele origin: germline. Not counted in ClinVar's aggregate classification.
Comment: The DLD c.685G>T variant is predicted to result in the amino acid substitution p.Gly229Cys. This variant has been reported to be causative for dihydrolipoamide dehydrogenase deficiency and is commonly found in individuals with Ashkenazi Jewish or Arab ancestry (see for example, Shaag et al., 1999. PubMed ID: 9934985; Brassier et al. 2013. PubMed ID: 23478190). This variant is reported in 0.66% of alleles in individuals of Ashkenazi Jewish descent in gnomAD. This variant is interpreted as pathogenic.

Reproductive Health Research and Development, BGI Genomics
Classification: Pathogenic for Dihydrolipoamide dehydrogenase deficiency. Last evaluated: 2020-01-06. Review status: no assertion criteria provided. Collection method: curation. Allele origin: germline. Not counted in ClinVar's aggregate classification.
Comment: NM_000108.3:c.685G>T in the DLD gene has an allele frequency of 0.007 in Ashkenazi Jewish subpopulation in the gnomAD database. Haviv R et al. reported that eight of 15 studied patients with dihydrolipoamide dehydrogenase deficiency were homozygous for the common G229C mutation and two were compound heterozygous for the G229C and Y35X mutations (PMID: 23995961). Functional studies using biochemical and biophysical analyses demonstrated that the variant increases the generation of reactive oxygen species compared to the wild type enzyme (PMID: 21558426). Taken together, we interprete this variant as Pathogenic/Likely pathogenic. ACMG/AMP Criteria applied: PM3_Strong; PS3; PP4.

Biochemical Molecular Genetic Laboratory, King Abdulaziz Medical City
Classification: Pathogenic for Pyruvate dehydrogenase E3 deficiency. Last evaluated: 2018-06-04. Review status: no assertion criteria provided. Collection method: clinical testing. Allele origin: germline. Affected: yes. Not counted in ClinVar's aggregate classification.

GeneReviews
Classification: Pathogenic for Maple syrup urine disease, type 3. Last evaluated: 2014-04-02. Review status: no assertion criteria provided. Collection method: literature only. Allele origin: germline. Affected: yes. Not counted in ClinVar's aggregate classification.

OMIM
Classification: Pathogenic for DIHYDROLIPOAMIDE DEHYDROGENASE DEFICIENCY. Last evaluated: 2011-08-01. Review status: no assertion criteria provided. Collection method: literature only. Allele origin: germline. Not counted in ClinVar's aggregate classification.

Dr. Peter K. Rogan Lab, Western University
No classification provided (evidence only). Condition: Thyroid cancer, nonmedullary, 1. Review status: no classification provided. Collection method: in vitro. Allele origin: not applicable. Functional consequence: retained intron. Not counted in ClinVar's aggregate classification.

Literature cited by the submitters: PubMed 9934985 (cited by 8 submitters); PubMed 14765544 (cited by 4 submitters); PubMed 16601893 (cited by Ambry Genetics and Myriad Genetics, Inc.); PubMed 16770810 (cited by Ambry Genetics and Women's Health and Genetics/Laboratory Corporation of America, LabCorp); PubMed 20672374 (cited by Ambry Genetics); PubMed 23478190 (cited by 5 submitters); PubMed 34745891 (cited by Ambry Genetics); PubMed 37701333 (cited by Ambry Genetics); PubMed 39040027 (cited by Ambry Genetics); PubMed 21558426 (cited by 6 submitters); PubMed 21930696 (cited by 5 submitters); PubMed 23995961 (cited by 3 submitters); DOI 10.1186/s12887-024-05375-w (cited by Department of Medicine, Jordan University of Science and Technology); DOI 10.1002/jimd.12778 (cited by Department of Medicine, Jordan University of Science and Technology); DOI 10.1002/jimd.70035 (cited by Department of Medicine, Jordan University of Science and Technology); PubMed 11186938 (cited by Dasa); PubMed 17125710 (cited by Dasa); PubMed 24516753 (cited by Women's Health and Genetics/Laboratory Corporation of America, LabCorp); PubMed 23290025 (cited by GeneReviews); PubMed 15712224 (cited by OMIM).